The following is an entry in ClinVar:

NM_022124.6(CDH23):c.6688_6689del (p.Ala2230fs)

Gene: CDH23 (cadherin related 23; plus strand). Cytogenetic location: 10q22.1.
Variant type: Deletion.
Coding change: c.6688_6689del on transcript NM_022124.6 (MANE Select); coding-DNA positions 6688 to 6689, 2 bases deleted (GC; older notation c.6688_6689delGC).
Protein change: p.Ala2230fs; shifts the reading frame from alanine 2230.
Molecular consequence: frameshift variant.
Genome position (GRCh38, 1-based): chr10:71,793,616-71,793,617, GC deleted; deleting any 2 consecutive bases within chr10:71,793,615-71,793,617 gives the same sequence; the c. name uses the placement nearest the transcript's 3' end. VCF-style (leftmost placement, unchanged base first): chr10-71793614-ACG-A. GRCh37 (hg19) VCF-style: chr10-73553371-ACG-A.
Other names: short protein forms A2230fs.
Identifiers: ClinVar variation 4816092 (VCV004816092.1).

ClinVar aggregate classification (germline): Likely pathogenic (1 of 4 stars; one submission).

Conditions:
Usher syndrome type 1 (USH1). Also called: RETINITIS PIGMENTOSA AND CONGENITAL DEAFNESS. Identifiers: Orphanet 231169, Orphanet 886, MedGen C1568247, MONDO:0010168, OMIM 276900.

Submission:

Natera, Inc.
Classification: Likely pathogenic for Usher syndrome type 1. Last evaluated: 2025-11-24. Review status: criteria provided, single submitter. Criteria: Natera Variant Classification Schema (03/2026). Collection method: clinical testing. Allele origin: germline.
Comment: The c.6688_6689del variant in CDH23 is a frameshift variant predicted to shift the reading frame beginning at codon 2230 and leads to a stop codon 25 codons downstream. This variant is expected to result in nonsense mediated decay, truncation, or a dysfunctional protein product. This variant is rare in the general population with a frequency below the threshold expected for the associated phenotype(s). Given the available evidence, this variant is classified as Likely Pathogenic.